The following is an entry in ClinVar:

ClinVar aggregate classification (germline): Pathogenic (1 of 4 stars; one submission).

Conditions:
Hereditary cancer-predisposing syndrome. Also called: Tumor predisposition; Neoplastic Syndromes, Hereditary; Hereditary neoplastic syndrome; Hereditary Cancer Syndrome. Identifiers: Orphanet 140162, MedGen C0027672, MeSH D009386, MONDO:0015356.

Submission:

Labcorp Genetics (formerly Invitae), Labcorp
Classification: Pathogenic for Hereditary cancer-predisposing syndrome. Last evaluated: 2016-11-10. Review status: criteria provided, single submitter. Criteria: Invitae Variant Classification Sherloc (09022015). Collection method: clinical testing. Allele origin: germline.
Comment: This variant is a gross deletion of the genomic region encompassing exon 1 of the RAD50 gene, which includes the initiator codon. The 5' end of this event is unknown as it extends beyond the assayed region for this gene and therefore may encompass additional genes. The 3' boundary is likely confined to intron 1 of the RAD50 gene. This is expected to result in an absent or disrupted protein product. While deletions of exon 1 have not been reported in the literature, loss-of-function variants in RAD50 are known to be pathogenic (PMID: 19409520, 16385572). For these reasons, this variant has been classified as Pathogenic.

NC_000005.10:g.(?_132556924)_(132557453_?)del

Gene: RAD50 (RAD50 double strand break repair protein; plus strand). Cytogenetic location: 5q31.1.
Variant type: Deletion.
Identifiers: ClinVar variation 417429 (VCV000417429.1).